The following is an entry in ClinVar:

NM_018191.4(RCBTB1):c.220A>G (p.Lys74Glu)

Gene: RCBTB1 (RCC1 and BTB domain containing protein 1; minus strand). Cytogenetic location: 13q14.2.
Variant type: single nucleotide variant.
Coding change: c.220A>G on transcript NM_018191.4 (MANE Select); coding-DNA position 220, A replaced by G.
Protein change: p.Lys74Glu; replaces lysine 74 with glutamic acid.
Molecular consequence: missense variant. On other transcripts: 5 prime UTR variant (1), non-coding transcript variant (2).
Genome position (GRCh38, 1-based): chr13:49,566,675, T>C on the plus strand (A>G on the coding strand, the complement: RCBTB1 is on the minus strand). VCF-style: chr13-49566675-T-C. GRCh37 (hg19) VCF-style: chr13-50140811-T-C.
Other names: c.220A>G, p.Lys74Glu (NM_001352500.2, NM_001352501.2, NM_001352502.2 and 3 more transcripts); c.-390A>G (NM_001352506.2); c.220A>G (NM_018191.3); short protein forms K74E.
Identifiers: ClinVar variation 2422121 (VCV002422121.7), dbSNP rs755193161, ClinGen allele CA6982959.

ClinVar aggregate classification (germline): Uncertain significance. Review status: criteria provided, multiple submitters, no conflicts (2 of 4 stars). 2 submissions from 2 submitters: Uncertain significance (2). Last evaluated 2025-08-29.

Allele frequency attached by ClinVar (database versions not stated): ExAC 0.00001; gnomAD 0.00001; gnomAD exomes 0.00001; TOPMed 0.00002.
gnomAD v4.1: 14 of 1,614,072 alleles (0.00087%); highest among the groups gnomAD compares: Non-Finnish European, 0.0012%; no homozygotes.

Submissions (2):

Ambry Genetics
Classification: Uncertain significance. Last evaluated: 2025-08-29. Review status: criteria provided, single submitter. Criteria: Ambry Variant Classification Scheme 2023. Collection method: clinical testing. Allele origin: germline.

Labcorp Genetics (formerly Invitae), Labcorp
Classification: Uncertain significance. Last evaluated: 2022-04-01. Review status: criteria provided, single submitter. Criteria: Invitae Variant Classification Sherloc (09022015). Collection method: clinical testing. Allele origin: germline.
Comment: This sequence change replaces lysine, which is basic and polar, with glutamic acid, which is acidic and polar, at codon 74 of the RCBTB1 protein (p.Lys74Glu). This variant is present in population databases (rs755193161, gnomAD 0.002%). This variant has not been reported in the literature in individuals affected with RCBTB1-related conditions. Algorithms developed to predict the effect of missense changes on protein structure and function are either unavailable or do not agree on the potential impact of this missense change (SIFT: "Deleterious"; PolyPhen-2: "Probably Damaging"; Align-GVGD: "Class C0"). In summary, the available evidence is currently insufficient to determine the role of this variant in disease. Therefore, it has been classified as a Variant of Uncertain Significance.